The following is an entry in ClinVar:

ClinVar aggregate classification (germline): Likely benign (1 of 4 stars; one submission).

Submission:

CeGaT Center for Human Genetics Tuebingen
Classification: Likely benign. Last evaluated: 2025-04-01. Review status: criteria provided, single submitter. Criteria: CeGaT Center For Human Genetics Tuebingen Variant Classification Criteria Version 2. Collection method: clinical testing. Allele origin: germline. Affected: yes. Observed: 1 variant allele.
Comment: ZFYVE26: PM2:Supporting, BP4, BP7

NM_015346.4(ZFYVE26):c.1236C>T (p.His412=)

Gene: ZFYVE26 (zinc finger FYVE-type containing 26; minus strand). Cytogenetic location: 14q24.1.
Variant type: single nucleotide variant.
Coding change: c.1236C>T on transcript NM_015346.4 (MANE Select); coding-DNA position 1236, C replaced by T.
Protein change: p.His412=; no amino-acid change (histidine 412 retained).
Molecular consequence: synonymous variant.
Genome position (GRCh38, 1-based): chr14:67,805,252, G>A on the plus strand (C>T on the coding strand, the complement: ZFYVE26 is on the minus strand). VCF-style: chr14-67805252-G-A. GRCh37 (hg19) VCF-style: chr14-68271969-G-A.
Identifiers: ClinVar variation 3777871 (VCV003777871.7).